The following is an entry in ClinVar:

ClinVar aggregate classification (germline): Uncertain significance (1 of 4 stars; one submission).

Allele frequency attached by ClinVar (database versions not stated): ExAC 0.00006; gnomAD 0.00007; ESP Exome Variant Server 0.00015; 1000 Genomes Project 30x 0.00016; 1000 Genomes Project 0.00020.
gnomAD v4.1: 48 of 1,604,238 alleles (0.003%); highest among the groups gnomAD compares: Admixed American, 0.015%; no homozygotes.

Submission:

Labcorp Genetics (formerly Invitae), Labcorp
Classification: Uncertain significance. Last evaluated: 2022-02-17. Review status: criteria provided, single submitter. Criteria: Invitae Variant Classification Sherloc (09022015). Collection method: clinical testing. Allele origin: germline.
Comment: In summary, the available evidence is currently insufficient to determine the role of this variant in disease. Therefore, it has been classified as a Variant of Uncertain Significance. Algorithms developed to predict the effect of sequence changes on RNA splicing suggest that this variant is not likely to affect RNA splicing. Algorithms developed to predict the effect of missense changes on protein structure and function output the following: SIFT: "Tolerated"; PolyPhen-2: "Benign"; Align-GVGD: "Class C0". The threonine amino acid residue is found in multiple mammalian species, which suggests that this missense change does not adversely affect protein function. This variant has not been reported in the literature in individuals affected with CASZ1-related conditions. This variant is present in population databases (rs201167368, gnomAD 0.02%). This sequence change replaces alanine, which is neutral and non-polar, with threonine, which is neutral and polar, at codon 1104 of the CASZ1 protein (p.Ala1104Thr).

NM_001079843.3(CASZ1):c.3310G>A (p.Ala1104Thr)

Gene: CASZ1 (castor zinc finger 1; minus strand). Cytogenetic location: 1p36.22.
Variant type: single nucleotide variant.
Coding change: c.3310G>A on transcript NM_001079843.3 (MANE Select); coding-DNA position 3310, G replaced by A.
Protein change: p.Ala1104Thr; replaces alanine 1104 with threonine.
Molecular consequence: missense variant.
Genome position (GRCh38, 1-based): chr1:10,647,988, C>T on the plus strand (G>A on the coding strand, the complement: CASZ1 is on the minus strand). VCF-style: chr1-10647988-C-T. GRCh37 (hg19) VCF-style: chr1-10708045-C-T.
Other names: c.3310G>A, p.Ala1104Thr (NM_017766.5); short protein forms A1104T.
Identifiers: ClinVar variation 2199620 (VCV002199620.4), dbSNP rs201167368, ClinGen allele CA584541.